The following is an entry in ClinVar:

ClinVar aggregate classification (germline): Uncertain significance. Review status: criteria provided, multiple submitters, no conflicts (2 of 4 stars). 2 submissions from 2 submitters: Uncertain significance (2). Last evaluated 2022-05-20.

Conditions:
Hyperammonemic encephalopathy due to carbonic anhydrase VA deficiency. Also called: Carbonic anhydrase VA deficiency, hyperammonemia due to; Carbonic Anhydrase VA Deficiency. Identifiers: Orphanet 401948, MedGen C4706871, MONDO:0014332, OMIM 615751.
Inborn genetic diseases. Identifiers: MedGen C0950123, MeSH D030342.

Allele frequency attached by ClinVar (database versions not stated): TOPMed below 0.00001; gnomAD 0.00001; gnomAD exomes 0.00001 and 0.00006; ExAC 0.00002.

Submissions (2):

Ambry Genetics
Classification: Uncertain significance for Inborn genetic diseases. Last evaluated: 2022-05-20. Review status: criteria provided, single submitter. Criteria: Ambry Variant Classification Scheme 2023. Collection method: clinical testing. Allele origin: germline.

Labcorp Genetics (formerly Invitae), Labcorp
Classification: Uncertain significance for Hyperammonemic encephalopathy due to carbonic anhydrase VA deficiency. Last evaluated: 2021-08-19. Review status: criteria provided, single submitter. Criteria: Invitae Variant Classification Sherloc (09022015). Collection method: clinical testing. Allele origin: germline.
Comment: This sequence change replaces glutamine with glutamic acid at codon 79 of the CA5A protein (p.Gln79Glu). The glutamine residue is weakly conserved and there is a small physicochemical difference between glutamine and glutamic acid. This variant is present in population databases (rs773608071, ExAC 0.02%). This variant has not been reported in the literature in individuals affected with CA5A-related conditions. Algorithms developed to predict the effect of missense changes on protein structure and function (SIFT, PolyPhen-2, Align-GVGD) all suggest that this variant is likely to be tolerated. In summary, the available evidence is currently insufficient to determine the role of this variant in disease. Therefore, it has been classified as a Variant of Uncertain Significance.

NM_001739.2(CA5A):c.235C>G (p.Gln79Glu)

Gene: CA5A (carbonic anhydrase 5A; minus strand). Cytogenetic location: 16q24.2.
Variant type: single nucleotide variant.
Coding change: c.235C>G on transcript NM_001739.2 (MANE Select); coding-DNA position 235, C replaced by G.
Protein change: p.Gln79Glu; replaces glutamine 79 with glutamic acid.
Molecular consequence: missense variant. On other transcripts: non-coding transcript variant (2).
Genome position (GRCh38, 1-based): chr16:87,926,853, G>C on the plus strand (C>G on the coding strand, the complement: CA5A is on the minus strand). VCF-style: chr16-87926853-G-C. GRCh37 (hg19) VCF-style: chr16-87960459-G-C.
Other names: c.235C>G, p.Gln79Glu (NM_001367225.1); c.235C>G (NM_001739.1); short protein forms Q79E.
Identifiers: ClinVar variation 1379297 (VCV001379297.4), dbSNP rs773608071, ClinGen allele CA8223574.